The following is an entry in ClinVar:

ClinVar aggregate classification (germline): Likely benign. Review status: criteria provided, multiple submitters, no conflicts (2 of 4 stars). 3 submissions from 3 submitters: Likely benign (3). Last evaluated 2025-03-11.

Conditions:
PROM1-related disorder. Also called: PROM1-related condition; PROM1-related disorders.

Allele frequency attached by ClinVar (database versions not stated): gnomAD 0.00001; TOPMed 0.00001; ExAC 0.00002; gnomAD exomes 0.00003.
gnomAD v4.1: 18 of 1,592,834 alleles (0.0011%); highest among the groups gnomAD compares: East Asian, 0.0089%; no homozygotes.

Submissions (3):

PreventionGenetics, part of Exact Sciences
Classification: Likely benign for PROM1-related condition. Last evaluated: 2025-03-11. Review status: criteria provided, single submitter. Criteria: ACMG Guidelines, 2015. Collection method: clinical testing. Allele origin: germline.
Comment: This variant is classified as likely benign based on ACMG/AMP sequence variant interpretation guidelines (Richards et al. 2015 PMID: 25741868, with internal and published modifications).

Blueprint Genetics
Classification: Likely benign. Last evaluated: 2024-10-16. Review status: criteria provided, single submitter. Criteria: ACMG Guidelines, 2015. Collection method: clinical testing. Allele origin: germline.

Labcorp Genetics (formerly Invitae), Labcorp
Classification: Likely benign. Last evaluated: 2024-04-25. Review status: criteria provided, single submitter. Criteria: Invitae Variant Classification Sherloc (09022015). Collection method: clinical testing. Allele origin: germline.

NM_006017.3(PROM1):c.1560G>A (p.Thr520=)

Gene: PROM1 (prominin 1; minus strand). Cytogenetic location: 4p15.32.
Variant type: single nucleotide variant.
Coding change: c.1560G>A on transcript NM_006017.3 (MANE Select); coding-DNA position 1560, G replaced by A.
Protein change: p.Thr520=; no amino-acid change (threonine 520 retained).
Molecular consequence: synonymous variant.
Genome position (GRCh38, 1-based): chr4:16,000,514, C>T on the plus strand (G>A on the coding strand, the complement: PROM1 is on the minus strand). VCF-style: chr4-16000514-C-T. GRCh37 (hg19) VCF-style: chr4-16002137-C-T.
Other names: c.1560G>A (NM_006017.2); c.1533G>A, p.Thr511= (NM_001145847.2, NM_001145848.2, NM_001145851.2 and 4 more transcripts); c.1560G>A, p.Thr520= (NM_001145849.2, NM_001145850.2).
Identifiers: ClinVar variation 1142070 (VCV001142070.11), dbSNP rs775841074, ClinGen allele CA2866736.